The following is an entry in ClinVar:

ClinVar aggregate classification (germline): Conflicting classifications of pathogenicity. Review status: criteria provided, conflicting classifications (1 of 4 stars). 2 submissions from 2 submitters: Uncertain significance (1); Benign (1). Last evaluated 2025-12-15.

Allele frequency attached by ClinVar (database versions not stated): TOPMed 0.00002; gnomAD 0.00003.
gnomAD v4.1: 60 of 1,614,030 alleles (0.0037%); highest among the groups gnomAD compares: Non-Finnish European, 0.0011%; no homozygotes.

Submissions (2):

Ambry Genetics
Classification: Uncertain significance. Last evaluated: 2025-12-15. Review status: criteria provided, single submitter. Criteria: Ambry Variant Classification Scheme 2023. Collection method: clinical testing. Allele origin: germline.

CeGaT Center for Human Genetics Tuebingen
Classification: Benign. Last evaluated: 2023-09-01. Review status: criteria provided, single submitter. Criteria: CeGaT Center For Human Genetics Tuebingen Variant Classification Criteria Version 2. Collection method: clinical testing. Allele origin: germline. Affected: yes. Observed: 1 variant allele.
Comment: KIF21B: BS1, BS2

NM_001252102.2(KIF21B):c.1816G>A (p.Glu606Lys)

Gene: KIF21B (kinesin family member 21B; minus strand). Cytogenetic location: 1q32.1.
Variant type: single nucleotide variant.
Coding change: c.1816G>A on transcript NM_001252102.2 (MANE Select); coding-DNA position 1816, G replaced by A.
Protein change: p.Glu606Lys; replaces glutamic acid 606 with lysine.
Molecular consequence: missense variant.
Genome position (GRCh38, 1-based): chr1:200,999,418, C>T on the plus strand (G>A on the coding strand, the complement: KIF21B is on the minus strand). VCF-style: chr1-200999418-C-T. GRCh37 (hg19) VCF-style: chr1-200968546-C-T.
Other names: c.1816G>A (NM_017596.2); c.1816G>A, p.Glu606Lys (NM_001252100.2, NM_001252103.2, NM_017596.4); short protein forms E606K.
Identifiers: ClinVar variation 2639737 (VCV002639737.24), dbSNP rs200764096, ClinGen allele CA1321192.